The following is an entry in ClinVar:

NM_024652.6(LRRK1):c.5217C>T (p.Val1739=)

Genes: LRRK1-AS1 (LRRK1 antisense RNA 1; minus strand), LRRK1 (leucine rich repeat kinase 1; plus strand). Cytogenetic location: 15q26.3.
Variant type: single nucleotide variant.
Coding change: c.5217C>T on transcript NM_024652.6 (MANE Select); coding-DNA position 5217, C replaced by T.
Protein change: p.Val1739=; no amino-acid change (valine 1739 retained).
Molecular consequence: synonymous variant.
Genome position (GRCh38, 1-based): chr15:101,065,654, C>T. VCF-style: chr15-101065654-C-T. GRCh37 (hg19) VCF-style: chr15-101605859-C-T.
Other names: c.5217C>T (NM_024652.5).
Identifiers: ClinVar variation 769415 (VCV000769415.21), dbSNP rs41373050, ClinGen allele CA7762091.

ClinVar aggregate classification (germline): Benign. Review status: criteria provided, multiple submitters, no conflicts (2 of 4 stars). 4 submissions from 4 submitters: Benign (3). 1 of the submissions does not count toward it. Last evaluated 2026-02-02.

Conditions:
LRRK1-related disorder. Also called: LRRK1-related condition.

Allele frequency attached by ClinVar (database versions not stated): 1000 Genomes Project 30x 0.00484; 1000 Genomes Project 0.00519; ExAC 0.00919; gnomAD exomes 0.00938 and 0.01242; gnomAD 0.00947 and 0.00958; TOPMed 0.00968; ESP Exome Variant Server 0.01172.
gnomAD v4.1: 19,566 of 1,614,118 alleles (1.2%); highest among the groups gnomAD compares: Non-Finnish European, 1.5%; 163 homozygotes.

Submissions (4):

Labcorp Genetics (formerly Invitae), Labcorp
Classification: Benign. Last evaluated: 2026-02-02. Review status: criteria provided, single submitter. Criteria: Invitae Variant Classification Sherloc (09022015). Collection method: clinical testing. Allele origin: germline.

CeGaT Center for Human Genetics Tuebingen
Classification: Benign. Last evaluated: 2025-06-01. Review status: criteria provided, single submitter. Criteria: CeGaT Center For Human Genetics Tuebingen Variant Classification Criteria Version 2. Collection method: clinical testing. Allele origin: germline. Affected: yes. Observed: 1 variant allele.
Comment: LRRK1: BP4, BP7, BS1, BS2

Breakthrough Genomics
Classification: Benign. Review status: criteria provided, single submitter. Criteria: ACMG Guidelines, 2015. Collection method: not provided. Allele origin: germline. Inheritance: Autosomal recessive inheritance. Affected: yes.

PreventionGenetics, part of Exact Sciences
Classification: Benign for LRRK1-related condition. Last evaluated: 2019-02-21. Review status: no assertion criteria provided. Collection method: clinical testing. Allele origin: germline. Not counted in ClinVar's aggregate classification.
Comment: This variant is classified as benign based on ACMG/AMP sequence variant interpretation guidelines (Richards et al. 2015 PMID: 25741868, with internal and published modifications).